The following is an entry in ClinVar:

ClinVar aggregate classification (germline): Pathogenic/Likely pathogenic. Review status: criteria provided, multiple submitters, no conflicts (2 of 4 stars). 3 submissions from 2 submitters: Pathogenic (2); Likely pathogenic (1). Last evaluated 2025-11-25.

Conditions:
Type 2 diabetes mellitus. Also called: Type II diabetes mellitus. Identifiers: MedGen C0011860, MeSH D003924, MONDO:0005148, OMIM 125853, HP:0005978.
Decreased body weight. Identifiers: MedGen C5574742, HP:0004325.
Mask-like facies. Identifiers: MedGen C0424448, HP:0000298.
Convex nasal ridge. Also called: Large beaked nose; beaked nose. Identifiers: MedGen C0240538, HP:0000444.
Short stature. Identifiers: MedGen C0349588, HP:0004322.
Cataract. Also called: Cataract (disease); cataracts. Identifiers: MedGen C0086543, MeSH D002386, MONDO:0005129, HP:0000518.
Werner syndrome (WRN). Identifiers: Orphanet 902, MedGen C0043119, MONDO:0010196, OMIM 277700.

Allele frequency attached by ClinVar (database versions not stated): gnomAD exomes below 0.00001; TOPMed 0.00001.
gnomAD v4.1: 1 of 1,600,446 alleles (0.000062%); highest among the groups gnomAD compares: Non-Finnish European, 0.000086%; no homozygotes.

Submissions (3):

Labcorp Genetics (formerly Invitae), Labcorp
Classification: Pathogenic for Werner syndrome. Last evaluated: 2025-11-25. Review status: criteria provided, single submitter. Criteria: Invitae Variant Classification Sherloc (09022015). Collection method: clinical testing. Allele origin: germline.
Comment: This sequence change affects a donor splice site in intron 7 of the WRN gene. RNA analysis indicates that disruption of this splice site induces altered splicing and may result in an absent or altered protein product. This variant is not present in population databases (gnomAD no frequency). Disruption of this splice site has been observed in individual(s) with clinical features of Werner syndrome (PMID: 20443122). ClinVar contains an entry for this variant (Variation ID: 523380). Studies have shown that disruption of this splice site results in skipping of exon 7, and produces a non-functional protein and/or introduces a premature termination codon (internal data). For these reasons, this variant has been classified as Pathogenic.

Centre for Mendelian Genomics, University Medical Centre Ljubljana
Classification: Pathogenic for Werner syndrome. Last evaluated: 2019-05-15. Review status: criteria provided, single submitter. Criteria: ACMG Guidelines, 2015. Collection method: clinical testing. Allele origin: unknown. Affected: yes.
Comment: This variant was classified as: Pathogenic. The following ACMG criteria were applied in classifying this variant: PVS1,PM2,PP5,PP3.

Centre for Mendelian Genomics, University Medical Centre Ljubljana
Classification: Likely pathogenic for Cataract; Convex nasal ridge; Decreased body weight; Mask-like facies; Short stature; Type 2 diabetes mellitus. Last evaluated: 2017-01-01. Review status: criteria provided, single submitter. Criteria: ACMG Guidelines, 2015. Collection method: clinical testing. Allele origin: unknown. Affected: yes.

Literature cited by the submitters: PubMed 20443122 (cited by Labcorp Genetics (formerly Invitae), Labcorp).

NM_000553.6(WRN):c.724+1G>T

Gene: WRN (WRN RecQ like helicase; plus strand). Cytogenetic location: 8p12.
Variant type: single nucleotide variant.
Coding change: c.724+1G>T on transcript NM_000553.6 (MANE Select); the canonical splice donor site of the intron after coding-DNA position 724, G replaced by T.
Molecular consequence: splice donor variant.
Genome position (GRCh38, 1-based): chr8:31,068,328, G>T. VCF-style: chr8-31068328-G-T. GRCh37 (hg19) VCF-style: chr8-30925844-G-T.
Identifiers: ClinVar variation 523380 (VCV000523380.12), dbSNP rs1339616347, ClinGen allele CA370917217.